The following is an entry in ClinVar:

NM_201384.3(PLEC):c.12894G>T (p.Met4298Ile)

Gene: PLEC (plectin; minus strand). Cytogenetic location: 8q24.3.
Variant type: single nucleotide variant.
Coding change: c.12894G>T on transcript NM_201384.3 (MANE Select); coding-DNA position 12894, G replaced by T.
Protein change: p.Met4298Ile; replaces methionine 4298 with isoleucine.
Molecular consequence: missense variant.
Genome position (GRCh38, 1-based): chr8:143,916,927, C>A on the plus strand (G>T on the coding strand, the complement: PLEC is on the minus strand). VCF-style: chr8-143916927-C-A. GRCh37 (hg19) VCF-style: chr8-144991095-C-A.
Other names: c.12975G>T, p.Met4325Ile (NM_000445.5); c.12852G>T, p.Met4284Ile (NM_201378.4); c.12828G>T, p.Met4276Ile (NM_201379.3); c.13305G>T, p.Met4435Ile (NM_201380.4); c.12798G>T, p.Met4266Ile (NM_201381.3); c.12894G>T, p.Met4298Ile (NM_201382.4); c.12906G>T, p.Met4302Ile (NM_201383.3); short protein forms M4284I, M4298I, M4435I, M4266I, M4325I, M4276I, M4302I.
Identifiers: ClinVar variation 1433143 (VCV001433143.6), dbSNP rs2130819220, ClinGen allele CA372478111.

ClinVar aggregate classification (germline): Uncertain significance (1 of 4 stars; one submission).

Conditions:
Epidermolysis bullosa simplex 5B, with muscular dystrophy (EBS5B). Also called: EPIDERMOLYSIS BULLOSA SIMPLEX AND LIMB-GIRDLE MUSCULAR DYSTROPHY; Epidermolysis bullosa simplex with muscular dystrophy. Identifiers: Orphanet 257, MedGen C2931072, MONDO:0009181, OMIM 226670.
Epidermolysis bullosa simplex 5C, with pyloric atresia (EBS5C). Also called: Epidermolysis bullosa simplex with pyloric atresia; PLEC-Related Epidermolysis Bullosa with Pyloric Atresia; PLEC1-Related Epidermolysis Bullosa with Pyloric Atresia. Identifiers: Orphanet 158684, MedGen C2677349, MONDO:0012807, OMIM 612138.
Autosomal recessive limb-girdle muscular dystrophy type 2Q (LGMDR17). Also called: MUSCULAR DYSTROPHY, LIMB-GIRDLE, AUTOSOMAL RECESSIVE 17. Identifiers: Orphanet 254361, MedGen C3150989, MONDO:0013390, OMIM 613723.
Epidermolysis bullosa simplex with nail dystrophy (EBS5D). Identifiers: MedGen C4225309, MONDO:0014661, OMIM 616487.
Epidermolysis bullosa simplex, Ogna type (EBS5A). Also called: Pidermolysis bullosa simplex 5A, Ogna type; EPIDERMOLYSIS BULLOSA SIMPLEX 5A, OGNA TYPE. Identifiers: Orphanet 79401, MedGen C0432317, MONDO:0007555, OMIM 131950.

Submission:

Labcorp Genetics (formerly Invitae), Labcorp
Classification: Uncertain significance for Autosomal recessive limb-girdle muscular dystrophy type 2Q; Epidermolysis bullosa simplex, Ogna type; Epidermolysis bullosa simplex with nail dystrophy; Epidermolysis bullosa simplex 5C, with pyloric atresia; Epidermolysis bullosa simplex 5B, with muscular dystrophy. Last evaluated: 2021-08-15. Review status: criteria provided, single submitter. Criteria: Invitae Variant Classification Sherloc (09022015). Collection method: clinical testing. Allele origin: germline.
Comment: This sequence change replaces methionine with isoleucine at codon 4325 of the PLEC protein (p.Met4325Ile). The methionine residue is highly conserved and there is a small physicochemical difference between methionine and isoleucine. This variant is not present in population databases (ExAC no frequency). This variant has not been reported in the literature in individuals affected with PLEC-related conditions. Algorithms developed to predict the effect of missense changes on protein structure and function (SIFT, PolyPhen-2, Align-GVGD) all suggest that this variant is likely to be tolerated. In summary, the available evidence is currently insufficient to determine the role of this variant in disease. Therefore, it has been classified as a Variant of Uncertain Significance.